The following is an entry in ClinVar:

NM_033022.4(RPS24):c.390+4T>C

Gene: RPS24 (ribosomal protein S24; plus strand). Cytogenetic location: 10q22.3.
Variant type: single nucleotide variant.
Coding change: c.390+4T>C on transcript NM_033022.4 (MANE Select); 4 bases into the intron after coding-DNA position 390, T replaced by C.
Molecular consequence: intron variant.
Genome position (GRCh38, 1-based): chr10:78,037,308, T>C. VCF-style: chr10-78037308-T-C. GRCh37 (hg19) VCF-style: chr10-79797066-T-C.
Other names: c.390+4T>C (NM_001142285.2, NM_001142283.2, NM_001142282.2 and 2 more transcripts).
Identifiers: ClinVar variation 2689885 (VCV002689885.5), dbSNP rs764283144, ClinGen allele CA5571999.

ClinVar aggregate classification (germline): Uncertain significance. Review status: criteria provided, multiple submitters, no conflicts (2 of 4 stars). 2 submissions from 2 submitters: Uncertain significance (2). Last evaluated 2024-04-30.

Conditions:
Diamond-Blackfan anemia 3 (DBA3). Also called: RPS24-Related Diamond-Blackfan Anemia. Identifiers: Orphanet 124, MedGen C1857719, MONDO:0012529, OMIM 610629.
Diamond-Blackfan anemia. Also called: Blackfan Diamond syndrome; Aregenerative anemia chronic congenital; Red cell aplasia, pure hereditary; Congenital hypoplastic anemia; Aase syndrome. Identifiers: Orphanet 124, MedGen C1260899, MeSH D029503, MONDO:0015253, HP:0004810.

Allele frequency attached by ClinVar (database versions not stated): TOPMed below 0.00001; gnomAD 0.00001; ExAC 0.00006.
gnomAD v4.1: 49 of 1,592,210 alleles (0.0031%); highest among the groups gnomAD compares: South Asian, 0.021%; no homozygotes.

Submissions (2):

Labcorp Genetics (formerly Invitae), Labcorp
Classification: Uncertain significance for Diamond-Blackfan anemia. Last evaluated: 2024-04-30. Review status: criteria provided, single submitter. Criteria: Invitae Variant Classification Sherloc (09022015). Collection method: clinical testing. Allele origin: germline.
Comment: This sequence change falls in intron 4 of the RPS24 gene. It does not directly change the encoded amino acid sequence of the RPS24 protein. It affects a nucleotide within the consensus splice site. This variant is present in population databases (rs764283144, gnomAD 0.03%). This variant has not been reported in the literature in individuals affected with RPS24-related conditions. Variants that disrupt the consensus splice site are a relatively common cause of aberrant splicing (PMID: 17576681, 9536098). Algorithms developed to predict the effect of sequence changes on RNA splicing suggest that this variant is not likely to affect RNA splicing. In summary, the available evidence is currently insufficient to determine the role of this variant in disease. Therefore, it has been classified as a Variant of Uncertain Significance.

Revvity Omics, Revvity
Classification: Uncertain significance for Diamond-Blackfan anemia 3. Last evaluated: 2023-07-12. Review status: criteria provided, single submitter. Criteria: ACMG Guidelines, 2015. Collection method: clinical testing. Allele origin: germline.

Literature cited by the submitters: PubMed 17576681 (cited by Labcorp Genetics (formerly Invitae), Labcorp); PubMed 9536098 (cited by Labcorp Genetics (formerly Invitae), Labcorp).